The following is an entry in ClinVar:

ClinVar aggregate classification (germline): Uncertain significance (1 of 4 stars; one submission).

gnomAD v4.1: 3 of 1,613,254 alleles (0.00019%); highest among the groups gnomAD compares: Non-Finnish European, 0.00025%; no homozygotes.

Submission:

GeneDx
Classification: Uncertain significance. Last evaluated: 2026-03-02. Review status: criteria provided, single submitter. Criteria: GeneDx Variant Classification Process June 2021. Collection method: clinical testing. Allele origin: germline.
Comment: Not observed at significant frequency in large population cohorts (gnomAD); In silico analysis suggests that this missense variant does not alter protein structure/function; Has not been previously published as pathogenic or benign to our knowledge

NM_003923.3(FOXH1):c.941C>T (p.Ala314Val)

Gene: FOXH1 (forkhead box H1; minus strand). Cytogenetic location: 8q24.3.
Variant type: single nucleotide variant.
Coding change: c.941C>T on transcript NM_003923.3 (MANE Select); coding-DNA position 941, C replaced by T.
Protein change: p.Ala314Val; replaces alanine 314 with valine.
Molecular consequence: missense variant.
Genome position (GRCh38, 1-based): chr8:144,474,395, G>A on the plus strand (C>T on the coding strand, the complement: FOXH1 is on the minus strand). VCF-style: chr8-144474395-G-A. GRCh37 (hg19) VCF-style: chr8-145699778-G-A.
Other names: short protein forms A314V.
Identifiers: ClinVar variation 5009675 (VCV005009675.1).